The following is an entry in ClinVar:

NM_006244.4(PPP2R5B):c.392G>A (p.Arg131His)

Gene: PPP2R5B (protein phosphatase 2 regulatory subunit B'beta; plus strand). Cytogenetic location: 11q13.1.
Variant type: single nucleotide variant.
Coding change: c.392G>A on transcript NM_006244.4 (MANE Select); coding-DNA position 392, G replaced by A.
Protein change: p.Arg131His; replaces arginine 131 with histidine.
Molecular consequence: missense variant.
Genome position (GRCh38, 1-based): chr11:64,926,904, G>A. VCF-style: chr11-64926904-G-A. GRCh37 (hg19) VCF-style: chr11-64694376-G-A.
Other names: c.392G>A (NM_006244.3); short protein forms R131H.
Identifiers: ClinVar variation 3605631 (VCV003605631.3).

ClinVar aggregate classification (germline): Uncertain significance. Review status: criteria provided, multiple submitters, no conflicts (2 of 4 stars). 2 submissions from 2 submitters: Uncertain significance (2). Last evaluated 2025-02-08.

gnomAD v4.1: 45 of 1,613,200 alleles (0.0028%); highest among the groups gnomAD compares: Non-Finnish European, 0.0037%; no homozygotes.

Submissions (2):

Ambry Genetics
Classification: Uncertain significance. Last evaluated: 2025-02-08. Review status: criteria provided, single submitter. Criteria: Ambry Variant Classification Scheme 2023. Collection method: clinical testing. Allele origin: germline.

Labcorp Genetics (formerly Invitae), Labcorp
Classification: Uncertain significance. Last evaluated: 2024-07-23. Review status: criteria provided, single submitter. Criteria: Invitae Variant Classification Sherloc (09022015). Collection method: clinical testing. Allele origin: germline.
Comment: This sequence change replaces arginine, which is basic and polar, with histidine, which is basic and polar, at codon 131 of the PPP2R5B protein (p.Arg131His). The frequency data for this variant in the population databases is considered unreliable, as metrics indicate poor data quality at this position in the gnomAD database. This variant has not been reported in the literature in individuals affected with PPP2R5B-related conditions. An algorithm developed to predict the effect of missense changes on protein structure and function (PolyPhen-2) suggests that this variant is likely to be disruptive. In summary, the available evidence is currently insufficient to determine the role of this variant in disease. Therefore, it has been classified as a Variant of Uncertain Significance.